The following continues an entry in ClinVar:

NM_007294.4(BRCA1):c.3587C>T (p.Thr1196Ile)

ClinVar aggregate classification (germline): Conflicting classifications of pathogenicity. Uncertain significance (14); Likely benign (2).

Submissions 9 to 19 of 19:

Color Diagnostics, LLC DBA Color Health
Classification: Uncertain significance for Hereditary cancer-predisposing syndrome. Last evaluated: 2024-04-02. Review status: criteria provided, single submitter. Criteria: ACMG Guidelines, 2015. Collection method: clinical testing. Allele origin: germline.
Comment: This missense variant replaces threonine with isoleucine at codon 1196 of the BRCA1 protein. Computational prediction suggests that this variant may not impact protein structure and function. To our knowledge, functional studies have not been reported for this variant. This variant has been reported in 5 individuals affected with breast or ovarian cancer (PMID: 24372583, 29297111, 34646395, 35402282). This variant has been identified in 1/250882 chromosomes in the general population by the Genome Aggregation Database (gnomAD). Although there is a suspicion that this variant may be associated with disease, additional functional studies are necessary to determine the role of this variant in disease conclusively. Therefore, this variant is classified as a Variant of Uncertain Significance.

Revvity Omics, Revvity
Classification: Uncertain significance. Last evaluated: 2023-09-20. Review status: criteria provided, single submitter. Criteria: ACMG Guidelines, 2015. Collection method: clinical testing. Allele origin: germline.

Blueprint Genetics
Classification: Uncertain significance. Last evaluated: 2023-03-30. Review status: criteria provided, single submitter. Criteria: ACMG Guidelines, 2015. Collection method: clinical testing. Allele origin: germline.

University of Washington Department of Laboratory Medicine, University of Washington
Classification: Likely benign for Hereditary cancer-predisposing syndrome. Last evaluated: 2023-03-23. Review status: criteria provided, single submitter. Criteria: Dines et al. (Genet Med. 2020). Collection method: curation. Allele origin: germline.
Comment: Missense variant in a coldspot region where missense variants are very unlikely to be pathogenic (PMID:31911673).

BRCA1 coldspot (exon 11 using historical exon numbering). Reclassification based on statistical prior probability

Women's Health and Genetics/Laboratory Corporation of America, LabCorp
Classification: Uncertain significance. Last evaluated: 2022-10-11. Review status: criteria provided, single submitter. Criteria: LabCorp Variant Classification Summary - May 2015. Collection method: clinical testing. Allele origin: germline.
Comment: Variant summary: BRCA1 c.3587C>T (p.Thr1196Ile) results in a non-conservative amino acid change in the encoded protein sequence. Four of five in-silico tools predict a benign effect of the variant on protein function. The variant allele was found at a frequency of 4e-06 in 250882 control chromosomes. The available data on variant occurrences in the general population are insufficient to allow any conclusion about variant significance. c.3587C>T, has been reported in the literature in an individual affected with Breast and/or Ovarian Cancer (example, Riahi_2015, Riahi_2016). These report(s) do not provide unequivocal conclusions about association of the variant with Hereditary Breast And Ovarian Cancer Syndrome. To our knowledge, no experimental evidence demonstrating an impact on protein function has been reported. Eight clinical diagnostic laboratories have submitted clinical-significance assessments for this variant to ClinVar after 2014 without evidence for independent evaluation. All laboratories classified the variant as uncertain significance. Based on the evidence outlined above, the variant was classified as uncertain significance.

CeGaT Center for Human Genetics Tuebingen
Classification: Uncertain significance. Last evaluated: 2019-08-01. Review status: criteria provided, single submitter. Criteria: CeGaT Center For Human Genetics Tuebingen Variant Classification Criteria Version 2. Collection method: clinical testing. Allele origin: germline. Affected: yes. Observed: 1 variant allele.

Illumina Laboratory Services, Illumina
Classification: Uncertain significance for Breast-ovarian cancer, familial, susceptibility to, 1. Last evaluated: 2017-04-27. Review status: criteria provided, single submitter. Criteria: ICSL Variant Classification Criteria 13 December 2019. Collection method: clinical testing. Allele origin: germline.

Breakthrough Genomics
Classification: Uncertain significance. Review status: criteria provided, single submitter. Criteria: ACMG Guidelines, 2015. Collection method: not provided. Allele origin: germline. Inheritance: Autosomal recessive inheritance. Affected: yes.

KCCC/NGS Laboratory, Kuwait Cancer Control Center
Classification: Uncertain significance for Breast-ovarian cancer, familial, susceptibility to, 1. Last evaluated: 2023-05-05. Review status: no assertion criteria provided. Collection method: clinical testing. Allele origin: germline. Affected: yes. Not counted in ClinVar's aggregate classification.
Comment: A variant of uncertain significance was detected in this sample , This sequence change replaces threonine with isoleucine at codon 1196 of the BRCA1 protein (p.Thr1196Ile). The threonine residue is moderately conserved and there is a moderate physicochemical difference between threonine and isoleucine. This variant is not present in population databases (GenomAD). This missense change has been observed in individual(s) with breast and/or ovarian cancer (PMID: 24372583, 27211102, 29297111). ClinVar contains an entry for this variant (Variation ID: 54926). Ten ClinVar submissions from clinical diagnostic laboratories (evaluation after 2014) cite the variant as "uncertain significance.". In addition, this alteration is predicted to be tolerated by in silico analysis. In summary, the available evidence is currently insufficient to determine the role of this variant in disease. Therefore, it has been classified as a Variant of Uncertain Significance.

Counsyl
Classification: Uncertain significance for Breast-ovarian cancer, familial, susceptibility to, 1. Last evaluated: 2017-06-13. Review status: no assertion criteria provided. Collection method: clinical testing. Allele origin: unknown. Not counted in ClinVar's aggregate classification.

Breast Cancer Information Core (BIC) (BRCA1)
Classification: Uncertain significance for Breast-ovarian cancer, familial 1. Last evaluated: 2004-11-25. Review status: no assertion criteria provided. Collection method: clinical testing. Allele origin: germline. Affected: yes. Observed: 1 variant allele. Not counted in ClinVar's aggregate classification.

Literature cited by the submitters: PubMed 24372583 (cited by 8 submitters); PubMed 27211102 (cited by 4 submitters); PubMed 29297111 (cited by 5 submitters); PubMed 31911673 (cited by Quest Diagnostics Nichols Institute San Juan Capistrano); PubMed 34646395 (cited by 6 submitters); PubMed 35171259 (cited by 4 submitters); PubMed 35402282 (cited by 5 submitters); PubMed 37335020 (cited by Quest Diagnostics Nichols Institute San Juan Capistrano and Ambry Genetics); PubMed 26295337 (cited by Quest Diagnostics Nichols Institute San Juan Capistrano); PubMed 20104584 (cited by KCCC/NGS Laboratory, Kuwait Cancer Control Center); PubMed 23704879 (cited by Counsyl).